The following is an entry in ClinVar:

ClinVar aggregate classification (germline): Uncertain significance (1 of 4 stars; one submission).

Conditions:
Hereditary pheochromocytoma and paraganglioma. Also called: Hereditary paragangliomas and pheochromocytomas; Hereditary Paraganglioma-Pheochromocytoma Syndromes; Hereditary pheochromocytoma-paraganglioma. Identifiers: Orphanet 29072, MedGen C4274332, MONDO:0017366.

Submission:

Labcorp Genetics (formerly Invitae), Labcorp
Classification: Uncertain significance for Hereditary pheochromocytoma and paraganglioma. Last evaluated: 2024-06-22. Review status: criteria provided, single submitter. Criteria: Invitae Variant Classification Sherloc (09022015). Collection method: clinical testing. Allele origin: germline.
Comment: This sequence change replaces lysine, which is basic and polar, with arginine, which is basic and polar, at codon 66 of the SDHAF2 protein (p.Lys66Arg). This variant is not present in population databases (gnomAD no frequency). This variant has not been reported in the literature in individuals affected with SDHAF2-related conditions. An algorithm developed to predict the effect of missense changes on protein structure and function (PolyPhen-2) suggests that this variant is likely to be disruptive. In summary, the available evidence is currently insufficient to determine the role of this variant in disease. Therefore, it has been classified as a Variant of Uncertain Significance.

NM_017841.4(SDHAF2):c.197A>G (p.Lys66Arg)

Gene: SDHAF2 (succinate dehydrogenase complex assembly factor 2; plus strand). Cytogenetic location: 11q12.2.
Variant type: single nucleotide variant.
Coding change: c.197A>G on transcript NM_017841.4 (MANE Select); coding-DNA position 197, A replaced by G.
Protein change: p.Lys66Arg; replaces lysine 66 with arginine.
Molecular consequence: missense variant.
Genome position (GRCh38, 1-based): chr11:61,437,785, A>G. VCF-style: chr11-61437785-A-G. GRCh37 (hg19) VCF-style: chr11-61205257-A-G.
Other names: short protein forms K66R.
Identifiers: ClinVar variation 3711468 (VCV003711468.2).
Genomic context (GRCh38, chr11:61,437,785, plus strand): 5'-ACATGATTGAAATCCCTTTGCCTCCATGGCAGGAGAGAACTGATGAATCCATAGAAACCA[A>G]AAGAGCCCGCCTGCTCTATGAGAGCAGAAAGAGGGGAATGTTGGAAAACTGCATTCTTCT-3'
Protein context (NP_060311.1, residues 56-76): QERTDESIET[Lys66Arg]RARLLYESRK